The following is an entry in ClinVar:

NM_206933.4(USH2A):c.3299dup (p.Asp1101fs)

Genes: USH2A (usherin; minus strand), USH2A-AS1 (USH2A antisense RNA 1; plus strand). Cytogenetic location: 1q41.
Variant type: Duplication.
Coding change: c.3299dup on transcript NM_206933.4 (MANE Select); coding-DNA position 3299, one base duplicated (A; older notation c.3299dupA).
Protein change: p.Asp1101fs; shifts the reading frame from aspartic acid 1101.
Molecular consequence: frameshift variant.
Genome position (GRCh38, 1-based): chr1:216,207,290, T duplicated on the plus strand (A on the coding strand, the reverse complement: USH2A is on the minus strand). VCF-style (leftmost placement, unchanged base first): chr1-216207289-C-CT. GRCh37 (hg19) VCF-style: chr1-216380631-C-CT.
Other names: c.3299dup, p.Asp1101fs (NM_007123.6); c.3299dupA (NM_206933.2); short protein forms D1101fs.
Identifiers: ClinVar variation 3001886 (VCV003001886.5), dbSNP rs1558317386, ClinGen allele CA528748814.

ClinVar aggregate classification (germline): Pathogenic/Likely pathogenic. Review status: criteria provided, multiple submitters, no conflicts (2 of 4 stars). 3 submissions from 3 submitters: Pathogenic (1); Likely pathogenic (2). Last evaluated 2025-01-27.

Conditions:
Usher syndrome type 2A. Also called: RETINAL DISEASE IN USHER SYNDROME TYPE IIA, MODIFIER OF; USHER SYNDROME, TYPE IIA. Identifiers: Orphanet 231178, Orphanet 886, MedGen C1848634, MONDO:0010169, OMIM 276901.
USH2A-related disorder. Also called: USH2A-related condition; USH2A-related disorders. Identifiers: MedGen CN239332.

Allele frequency attached by ClinVar (database versions not stated): gnomAD exomes 0.00001.

Submissions (3):

Natera, Inc.
Classification: Likely pathogenic for Usher syndrome type 2A. Last evaluated: 2025-01-27. Review status: criteria provided, single submitter. Criteria: Natera Variant Classification Schema (03/2026). Collection method: clinical testing. Allele origin: germline.
Comment: The c.3299dupA variant in USH2A is a frameshift variant predicted to shift the reading frame beginning at codon 1101 and leads to a stop codon 26 codons downstream. This variant is expected to result in nonsense mediated decay, truncation, or a dysfunctional protein product. This variant is rare in the general population with a frequency below the threshold expected for the associated phenotype(s). Given the available evidence, this variant is classified as Likely Pathogenic.

Blueprint Genetics
Classification: Likely pathogenic for USH2A-related disorders. Last evaluated: 2024-10-24. Review status: criteria provided, single submitter. Criteria: ACMG Guidelines, 2015. Collection method: clinical testing. Allele origin: germline. Affected: yes. Observed: 3 variant alleles.

Labcorp Genetics (formerly Invitae), Labcorp
Classification: Pathogenic. Last evaluated: 2023-06-23. Review status: criteria provided, single submitter. Criteria: Invitae Variant Classification Sherloc (09022015). Collection method: clinical testing. Allele origin: germline.
Comment: This sequence change creates a premature translational stop signal (p.Asp1101Glyfs*26) in the USH2A gene. It is expected to result in an absent or disrupted protein product. Loss-of-function variants in USH2A are known to be pathogenic (PMID: 10729113, 10909849, 20507924, 25649381). This variant is present in population databases (no rsID available, gnomAD 0.002%). This variant has not been reported in the literature in individuals affected with USH2A-related conditions. For these reasons, this variant has been classified as Pathogenic.

Literature cited by the submitters: PubMed 10729113 (cited by Labcorp Genetics (formerly Invitae), Labcorp); PubMed 10909849 (cited by Labcorp Genetics (formerly Invitae), Labcorp); PubMed 20507924 (cited by Labcorp Genetics (formerly Invitae), Labcorp); PubMed 25649381 (cited by Labcorp Genetics (formerly Invitae), Labcorp).